The following is an entry in ClinVar:

ClinVar aggregate classification (germline): Uncertain significance (1 of 4 stars; one submission).

Conditions:
Inborn genetic diseases. Identifiers: MedGen C0950123, MeSH D030342.

gnomAD v4.1: 6 of 1,614,264 alleles (0.00037%); highest among the groups gnomAD compares: Non-Finnish European, 0.00051%; no homozygotes.

Submission:

Ambry Genetics
Classification: Uncertain significance for Inborn genetic diseases. Last evaluated: 2024-11-28. Review status: criteria provided, single submitter. Criteria: Ambry Variant Classification Scheme 2023. Collection method: clinical testing. Allele origin: germline.
Comment: The p.T250R variant (also known as c.749C>G), located in coding exon 6 of the FANCG gene, results from a C to G substitution at nucleotide position 749. The threonine at codon 250 is replaced by arginine, an amino acid with similar properties. This amino acid position is conserved. In addition, the in silico prediction for this alteration is inconclusive. Based on the available evidence, the clinical significance of this variant remains unclear.

NM_004629.2(FANCG):c.749C>G (p.Thr250Arg)

Gene: FANCG (FA complementation group G; minus strand). Cytogenetic location: 9p13.3.
Variant type: single nucleotide variant.
Coding change: c.749C>G on transcript NM_004629.2 (MANE Select); coding-DNA position 749, C replaced by G.
Protein change: p.Thr250Arg; replaces threonine 250 with arginine.
Molecular consequence: missense variant.
Genome position (GRCh38, 1-based): chr9:35,076,999, G>C on the plus strand (C>G on the coding strand, the complement: FANCG is on the minus strand). VCF-style: chr9-35076999-G-C. GRCh37 (hg19) VCF-style: chr9-35076996-G-C.
Other names: short protein forms T250R.
Identifiers: ClinVar variation 3512853 (VCV003512853.1).